The following is an entry in ClinVar:

ClinVar aggregate classification (germline): Likely benign. Review status: criteria provided, multiple submitters, no conflicts (2 of 4 stars). 4 submissions from 4 submitters: Likely benign (4). Last evaluated 2025-09-11.

Conditions:
MYH6-related disorder. Also called: MYH6-Related Disorders; MYH6-related condition.
Cardiovascular phenotype. Identifiers: MedGen CN230736.
Hypertrophic cardiomyopathy 14. Identifiers: MedGen C2750467, MONDO:0013197, OMIM 613251.

Allele frequency attached by ClinVar (database versions not stated): TOPMed 0.00004; 1000 Genomes Project 0.00020; 1000 Genomes Project 30x 0.00031.
gnomAD v4.1: 20 of 1,614,116 alleles (0.0012%); highest among the groups gnomAD compares: Admixed American, 0.03%; no homozygotes.

Submissions (4):

PreventionGenetics, part of Exact Sciences
Classification: Likely benign for MYH6-related condition. Last evaluated: 2025-09-11. Review status: criteria provided, single submitter. Criteria: ACMG Guidelines, 2015. Collection method: clinical testing. Allele origin: germline.
Comment: This variant is classified as likely benign based on ACMG/AMP sequence variant interpretation guidelines (Richards et al. 2015 PMID: 25741868, with internal and published modifications).

Ambry Genetics
Classification: Likely benign for Cardiovascular phenotype. Last evaluated: 2025-06-16. Review status: criteria provided, single submitter. Criteria: Ambry Variant Classification Scheme 2023. Collection method: clinical testing. Allele origin: germline.

Labcorp Genetics (formerly Invitae), Labcorp
Classification: Likely benign for Hypertrophic cardiomyopathy 14. Last evaluated: 2024-08-19. Review status: criteria provided, single submitter. Criteria: Invitae Variant Classification Sherloc (09022015). Collection method: clinical testing. Allele origin: germline.

Blueprint Genetics
Classification: Likely benign. Last evaluated: 2022-05-14. Review status: criteria provided, single submitter. Criteria: ACMG Guidelines, 2015. Collection method: clinical testing. Allele origin: germline.

NM_002471.4(MYH6):c.1155G>T (p.Ser385=)

Gene: MYH6 (myosin heavy chain 6; minus strand). Cytogenetic location: 14q11.2.
Variant type: single nucleotide variant.
Coding change: c.1155G>T on transcript NM_002471.4 (MANE Select); coding-DNA position 1155, G replaced by T.
Protein change: p.Ser385=; no amino-acid change (serine 385 retained).
Molecular consequence: synonymous variant.
Genome position (GRCh38, 1-based): chr14:23,400,964, C>A on the plus strand (G>T on the coding strand, the complement: MYH6 is on the minus strand). VCF-style: chr14-23400964-C-A. GRCh37 (hg19) VCF-style: chr14-23870173-C-A.
Identifiers: ClinVar variation 772975 (VCV000772975.12), dbSNP rs147903010, ClinGen allele CA7115863.